The following is an entry in ClinVar:

ClinVar aggregate classification (germline): Pathogenic. Review status: reviewed by expert panel (3 of 4 stars). 12 submissions from 12 submitters: Pathogenic (1). 11 of the submissions do not count toward it. Last evaluated 2019-05-10.

Conditions:
Noonan syndrome and Noonan-related syndrome. Identifiers: Orphanet 98733, MedGen C5681679, MONDO:0020297.
Cardiovascular phenotype. Identifiers: MedGen CN230736.
RASopathy. Also called: Noonan spectrum disorder; rasopathies. Identifiers: Orphanet 536391, MedGen C5555857, MONDO:0021060.
Noonan syndrome 4 (NS4). Also called: SOS1-Related Noonan Syndrome; NOONAN SYNDROME WITH PIGMENTED VILLONODULAR SYNOVITIS. Identifiers: Orphanet 648, MedGen C1853120, MONDO:0012547, OMIM 610733.
Fibromatosis, gingival, 1 (GINGF1). Identifiers: Orphanet 2024, MedGen C4551558, MONDO:0007609, OMIM 135300.
Noonan syndrome (NS). Also called: Noonan's syndrome. Identifiers: Orphanet 648, MedGen C0028326, MeSH D009634, MONDO:0018997. Disease mechanism: gain of function.

gnomAD v4.1: 1 of 1,613,648 alleles (0.000062%); highest among the groups gnomAD compares: Non-Finnish European, 0.000085%; no homozygotes.

Submissions 1 to 6 of 12:

ClinGen RASopathy Variant Curation Expert Panel
Classification: Pathogenic for Noonan syndrome and Noonan-related syndrome. Last evaluated: 2019-05-10. Review status: reviewed by expert panel. Criteria: ClinGen RASopathy ACMG Specifications v1. Collection method: curation. Allele origin: germline. Inheritance: Autosomal dominant inheritance.
Comment: The c.1656G>T (p.Arg552Ser) variant in SOS1 has been reported as a confirmed de novo occurrence in one patient and 2 other probands with clinical features of a RASopathy (PS2, PS4_Moderate; PMID 17586837, 18854871). Of note, one of these cases was an affected mother-child duo (PP1 not met; PMID: 17586837). This variant was absent from large population studies (PM2; gnomAD). This amino acid residue has been designated as a hotspot. These variants would have received PM5_Strong but the RAS EP decided that PM1 and PM5 cannot be used simultaneously and therefore this rule has been upgraded with expert judgement (PM1_Strong). Of note, the p.Arg552Ser variant in SOS1 has also been a consequence of the c.1656G>C nucleotide change which has been classified as pathogenic (PS1; ClinVar ID 12872). Computational prediction tools and conservation analysis suggest that the p.Arg552Ser variant may impact the protein (PP3). The variant is located in the SOS1 gene, which has been defined by the ClinGen RASopathy Expert Panel as a gene with a low rate of benign missense variants and pathogenic missense variants are common (PP2; PMID: 29493581). In summary, this variant meets criteria to be classified as pathogenic for RASopathies in an autosomal dominant manner. Rasopathy-specific ACMG/AMP criteria applied (PMID:29493581): PS2, PS1, PM1_Strong, PM2, PS4_Moderate, PP2, PP3.

Labcorp Genetics (formerly Invitae), Labcorp
Classification: Pathogenic for RASopathy. Last evaluated: 2025-10-26. Review status: criteria provided, single submitter. Criteria: Invitae Variant Classification Sherloc (09022015). Collection method: clinical testing. Allele origin: germline. Not counted in ClinVar's aggregate classification.
Comment: This sequence change replaces arginine, which is basic and polar, with serine, which is neutral and polar, at codon 552 of the SOS1 protein (p.Arg552Ser). This variant is not present in population databases (gnomAD no frequency). This missense change has been observed in individuals with Noonan syndrome and cardio-facio-cutaneous (CFC) syndrome (PMID: 17586837, 18651097, 18854871). ClinVar contains an entry for this variant (Variation ID: 40684). Invitae Evidence Modeling of protein sequence and biophysical properties (such as structural, functional, and spatial information, amino acid conservation, physicochemical variation, residue mobility, and thermodynamic stability) has been performed for this missense variant. However, the output from this modeling did not meet the statistical confidence thresholds required to predict the impact of this variant on SOS1 protein function. This variant disrupts the p.Arg552 amino acid residue in SOS1. Other variant(s) that disrupt this residue have been determined to be pathogenic (PMID: 17143282, 17143285, 17586837, 19352411, 20493809, 21387466, 23487764). This suggests that this residue is clinically significant, and that variants that disrupt this residue are likely to be disease-causing. For these reasons, this variant has been classified as Pathogenic.

Ambry Genetics
Classification: Pathogenic for Cardiovascular phenotype. Last evaluated: 2025-07-28. Review status: criteria provided, single submitter. Criteria: Ambry Variant Classification Scheme 2023. Collection method: clinical testing. Allele origin: germline. Not counted in ClinVar's aggregate classification.
Comment: The c.1656G>T (p.R552S) alteration is located in exon 10 (coding exon 10) of the SOS1 gene. This alteration results from a G to T substitution at nucleotide position 1656, causing the arginine (R) at amino acid position 552 to be replaced by a serine (S). This variant was not reported in population-based cohorts in the Genome Aggregation Database (gnomAD). This variant was reported in individuals with features consistent with SOS1-related RASopathy (Zenker, 2007; Neumann, 2009). Another variant resulting in the same amino acid change (c.1656G>C) has also been identified in individuals with features consistent with SOS1-related RASopathy (Tartagila, 2007; Lepri, 2011). Additionally, other variants at the same codon, c.1654A>G (p.R552G), c.1655G>C (p.R552T), have been identified in individuals with features consistent with SOS1-related RASopathy (Tartagila, 2007; Zenker, 2007; Lepri, 2011). This amino acid position is highly conserved in available vertebrate species. This alteration is predicted to be deleterious by in silico analysis. Based on the available evidence, this alteration is classified as pathogenic.

GeneDx
Classification: Pathogenic. Last evaluated: 2023-08-03. Review status: criteria provided, single submitter. Criteria: GeneDx Variant Classification Process June 2021. Collection method: clinical testing. Allele origin: germline. Affected: yes. Not counted in ClinVar's aggregate classification.
Comment: Not observed at significant frequency in large population cohorts (gnomAD); Different missense variants involving this residue (p.R552W, p.R552K, p.R552T, p.R552G, p.R552M) or neighboring residues (p.T549K , p.T549KA, p.L550P, p.D555E, p.V556I) have been reported in individuals with Noonan spectrum disorders in ClinVar, HGMD, and/or individuals tested at GeneDx; Missense variants in this gene are often considered pathogenic (HGMD); In silico analysis supports that this missense variant has a deleterious effect on protein structure/function; This variant is associated with the following publications: (PMID: 18651097, 22848035, 22488759, 28378436, 18854871, 17586837, 20648242, 29493581, 17143282, 21387466, 12628188, 30417923, 31219622, 31785789)

3billion
Classification: Pathogenic for Noonan syndrome 4. Last evaluated: 2022-05-22. Review status: criteria provided, single submitter. Criteria: ACMG Guidelines, 2015. Collection method: clinical testing. Allele origin: germline. Affected: yes. Observed: 1 heterozygote. Not counted in ClinVar's aggregate classification.
Comment: The variant is not observed in the gnomAD v2.1.1 dataset. The variant is located in a mutational hot spot and/or well-established functional domain in which established pathogenic variants have been reported. Missense changes are a common disease-causing mechanism. In silico tool predictions suggest damaging effect of the variant on gene or gene product (REVEL: 0.86; 3Cnet: 0.96). Same nucleotide change resulting in same amino acid change has been previously reported as pathogenic/likely pathogenic with strong evidence (ClinVar ID: VCV000040684). The variant has been observed in at least two similarly affected unrelated individuals (PMID: 17586837, 18854871) and reported as assumed (i.e. paternity and maternity not confirmed) de novo in at least one similarly affected unrelated individual (PMID: 18854871). In addition, It has been reported to co-segregate with the disease in at least 3 similarly affected relatives/individuals in the same family or similarly affected unrelated families (PMID: 17586837). Different missense changes at the same codon (p.Arg552Gly, p.Arg552Lys, p.Arg552Met, p.Arg552Thr, p.Arg552Trp) have been reported as pathogenic/likely pathogenic with strong evidence (ClinVar ID: VCV000012871, VCV000040681, VCV000040682, VCV000040683, VCV000372656). Therefore, this variant is classified as pathogenic according to the recommendation of ACMG/AMP guideline.

Institute of Medical Genetics and Applied Genomics, University Hospital Tübingen
Classification: Pathogenic. Last evaluated: 2020-10-23. Review status: criteria provided, single submitter. Criteria: ACMG Guidelines, 2015. Collection method: clinical testing. Allele origin: germline. Inheritance: Unknown mechanism. Affected: yes. Not counted in ClinVar's aggregate classification.

NM_005633.4(SOS1):c.1656G>T (p.Arg552Ser)

Gene: SOS1 (SOS Ras/Rac guanine nucleotide exchange factor 1; minus strand). Cytogenetic location: 2p22.1.
Variant type: single nucleotide variant.
Coding change: c.1656G>T on transcript NM_005633.4 (MANE Select); coding-DNA position 1656, G replaced by T.
Protein change: p.Arg552Ser; replaces arginine 552 with serine.
Molecular consequence: missense variant.
Genome position (GRCh38, 1-based): chr2:39,022,772, C>A on the plus strand (G>T on the coding strand, the complement: SOS1 is on the minus strand). VCF-style: chr2-39022772-C-A. GRCh37 (hg19) VCF-style: chr2-39249913-C-A.
Other names: p.R552S:AGG>AGT; NM_005633.3(SOS1):c.1656G>T; c.1635G>T, p.Arg545Ser (NM_001382394.1); c.1656G>T, p.Arg552Ser (NM_001382395.1); short protein forms R552S, R545S.
Identifiers: ClinVar variation 40684 (VCV000040684.30), dbSNP rs267607079, ClinGen allele CA261730.